The following is an entry in ClinVar:

ClinVar aggregate classification (germline): Conflicting classifications of pathogenicity. Review status: criteria provided, conflicting classifications (1 of 4 stars). 7 submissions from 7 submitters: Uncertain significance (2); Likely benign (3). 2 of the submissions do not count toward it. Last evaluated 2026-06-01.

Conditions:
TRIOBP-related disorder. Also called: TRIOBP-related condition.
Autosomal recessive nonsyndromic hearing loss 28. Identifiers: Orphanet 90636, MedGen C1853276, MONDO:0012355, OMIM 609823.

Allele frequency attached by ClinVar (database versions not stated): ESP Exome Variant Server 0.00016; gnomAD 0.00037 and 0.00047; TOPMed 0.00042; gnomAD exomes 0.00060; ExAC 0.00067; 1000 Genomes Project 30x 0.00094; 1000 Genomes Project 0.00100.
gnomAD v4.1: 1,240 of 1,614,038 alleles (0.077%); highest among the groups gnomAD compares: East Asian, 0.67%; no homozygotes.

Submissions (7):

CeGaT Center for Human Genetics Tuebingen
Classification: Likely benign. Last evaluated: 2026-06-01. Review status: criteria provided, single submitter. Criteria: CeGaT Center For Human Genetics Tuebingen Variant Classification Criteria Version 2. Collection method: clinical testing. Allele origin: germline. Affected: yes. Observed: 3 variant alleles.
Comment: TRIOBP: BP4

Labcorp Genetics (formerly Invitae), Labcorp
Classification: Likely benign. Last evaluated: 2025-09-30. Review status: criteria provided, single submitter. Criteria: Invitae Variant Classification Sherloc (09022015). Collection method: clinical testing. Allele origin: germline.

Blueprint Genetics
Classification: Likely benign. Last evaluated: 2024-11-07. Review status: criteria provided, single submitter. Criteria: ACMG Guidelines, 2015. Collection method: clinical testing. Allele origin: germline.

Fulgent Genetics
Classification: Uncertain significance for Autosomal recessive nonsyndromic hearing loss 28. Last evaluated: 2021-09-01. Review status: criteria provided, single submitter. Criteria: ACMG Guidelines, 2015. Collection method: clinical testing. Allele origin: unknown.

GeneDx
Classification: Uncertain significance. Last evaluated: 2021-04-07. Review status: criteria provided, single submitter. Criteria: GeneDx Variant Classification Process June 2021. Collection method: clinical testing. Allele origin: germline. Affected: yes.
Comment: Observed with a second variant in an unknown phase in two siblings with hearing impairment and bilateral narrow bony cochlear nerve canal (nBCNC) in published literature (Cho et al., 2013); In silico analysis supports that this missense variant does not alter protein structure/function; This variant is associated with the following publications: (PMID: 23417507)

PreventionGenetics, part of Exact Sciences
Classification: Likely benign for TRIOBP-related condition. Last evaluated: 2023-01-17. Review status: no assertion criteria provided. Collection method: clinical testing. Allele origin: germline. Not counted in ClinVar's aggregate classification.
Comment: This variant is classified as likely benign based on ACMG/AMP sequence variant interpretation guidelines (Richards et al. 2015 PMID: 25741868, with internal and published modifications).

Department of Pathology and Laboratory Medicine, Sinai Health System
Classification: Uncertain significance. Review status: no assertion criteria provided. Collection method: clinical testing. Allele origin: unknown. Affected: yes. Study: The Canadian Open Genetics Repository (COGR). Not counted in ClinVar's aggregate classification.
Comment: The TRIOBP p.R237W variant was not identified in the literature nor was it identified in ClinVar. The variant was identified in dbSNP (ID: rs144995033) and in control databases in 159 of 280450 chromosomes at a frequency of 0.0005669 (Genome Aggregation Database March 6, 2019, v2.1.1). The p.R237 residue is not conserved in mammals and computational analyses (MUT Assesor, PolyPhen-2, SIFT, MutationTaster, Revel, FATHMM, MetaLR, DANN) do not suggest a high likelihood of impact to the protein; this information is not predictive enough to rule out pathogenicity. The variant occurs outside of the splicing consensus sequence and in silico or computational prediction software programs (Splice AI exome) are inconclusive. In summary, based on the above information the clinical significance of this variant cannot be determined with certainty at this time. This variant is classified as a variant of uncertain significance.

NM_001039141.3(TRIOBP):c.709C>T (p.Arg237Trp)

Gene: TRIOBP (TRIO and F-actin binding protein; plus strand). Cytogenetic location: 22q13.1.
Variant type: single nucleotide variant.
Coding change: c.709C>T on transcript NM_001039141.3 (MANE Select); coding-DNA position 709, C replaced by T.
Protein change: p.Arg237Trp; replaces arginine 237 with tryptophan.
Molecular consequence: missense variant.
Genome position (GRCh38, 1-based): chr22:37,723,265, C>T. VCF-style: chr22-37723265-C-T. GRCh37 (hg19) VCF-style: chr22-38119272-C-T.
Other names: short protein forms R237W.
Identifiers: ClinVar variation 1050176 (VCV001050176.30), dbSNP rs144995033, ClinGen allele CA10223437.